The following is an entry in ClinVar:

NM_005996.4(TBX3):c.-251G>A

Genes: TBX3-AS1 (TBX3 antisense RNA 1; plus strand), TBX3 (T-box transcription factor 3; minus strand). Cytogenetic location: 12q24.21.
Variant type: single nucleotide variant.
Coding change: c.-251G>A on transcript NM_005996.4 (MANE Select); 251 bases upstream of the start codon, G replaced by A.
Molecular consequence: 5 prime UTR variant.
Genome position (GRCh38, 1-based): chr12:114,683,451, C>T on the plus strand (G>A on the coding strand, the complement: TBX3 is on the minus strand). VCF-style: chr12-114683451-C-T. GRCh37 (hg19) VCF-style: chr12-115121256-C-T.
Other names: c.-251G>A (NM_016569.4).
Identifiers: ClinVar variation 307386 (VCV000307386.7), dbSNP rs9805019, ClinGen allele CA10641101.

ClinVar aggregate classification (germline): Benign/Likely benign. Review status: criteria provided, multiple submitters, no conflicts (2 of 4 stars). 2 submissions from 2 submitters: Benign (1); Likely benign (1). Last evaluated 2020-12-01.

Conditions:
Ulnar-mammary syndrome (UMS). Also called: SCHINZEL SYNDROME; Ulnar-mammary syndrome of Pallister; PALLISTER ULNAR-MAMMARY SYNDROME. Identifiers: Orphanet 3138, MedGen C1866994, MONDO:0008411, OMIM 181450.

Allele frequency attached by ClinVar (database versions not stated): gnomAD exomes 0.00039; gnomAD 0.00290 and 0.00310; TOPMed 0.00332; 1000 Genomes Project 30x 0.00437; 1000 Genomes Project 0.00459.
gnomAD v4.1: 592 of 542,456 alleles (0.11%); highest among the groups gnomAD compares: African/African-American, 0.98%; 6 homozygotes.

Submissions (2):

GeneDx
Classification: Likely benign. Last evaluated: 2020-12-01. Review status: criteria provided, single submitter. Criteria: GeneDx Variant Classification Process June 2021. Collection method: clinical testing. Allele origin: germline. Affected: yes.

Illumina Laboratory Services, Illumina
Classification: Benign for Ulnar-mammary syndrome. Last evaluated: 2018-01-13. Review status: criteria provided, single submitter. Criteria: ICSL Variant Classification Criteria 13 December 2019. Collection method: clinical testing. Allele origin: germline.
Comment: This variant was observed in the ICSL laboratory as part of a predisposition screen in an ostensibly healthy population. It had not been previously curated by ICSL or reported in the Human Gene Mutation Database (HGMD: prior to June 1st, 2018), and was therefore a candidate for classification through an automated scoring system. Utilizing variant allele frequency, disease prevalence and penetrance estimates, and inheritance mode, an automated score was calculated to assess if this variant is too frequent to cause the disease. Based on the score and internal cut-off values, a variant classified as benign is not then subjected to further curation. The score for this variant resulted in a classification of benign for this disease.